The following is an entry in ClinVar:

NM_000316.3(PTH1R):c.662A>G (p.Tyr221Cys)

Gene: PTH1R (parathyroid hormone 1 receptor; plus strand). Cytogenetic location: 3p21.31.
Variant type: single nucleotide variant.
Coding change: c.662A>G on transcript NM_000316.3 (MANE Select); coding-DNA position 662, A replaced by G.
Protein change: p.Tyr221Cys; replaces tyrosine 221 with cysteine.
Molecular consequence: missense variant.
Genome position (GRCh38, 1-based): chr3:46,898,685, A>G. VCF-style: chr3-46898685-A-G. GRCh37 (hg19) VCF-style: chr3-46940175-A-G.
Other names: c.662A>G, p.Tyr221Cys (NM_001184744.1); short protein forms Y221C.
Identifiers: ClinVar variation 900572 (VCV000900572.9), dbSNP rs200817639, ClinGen allele CA2359292.

ClinVar aggregate classification (germline): Uncertain significance. Review status: criteria provided, multiple submitters, no conflicts (2 of 4 stars). 5 submissions from 4 submitters: Uncertain significance (5). Last evaluated 2025-12-01.

Conditions:
Chondrodysplasia Blomstrand type (BOCD). Identifiers: Orphanet 50945, MedGen C1859148, MONDO:0008970, OMIM 215045.
Metaphyseal chondrodysplasia, Jansen type. Also called: Metaphyseal chondrodysplasia Murk Jansen type; PTH1R-Related Jansen Metaphyseal Chondrodysplasia. Identifiers: Orphanet 33067, MedGen C0265295, MONDO:0007982, OMIM 156400.
Primary failure of tooth eruption. Also called: DENTAL NONERUPTION; PRIMARY RETENTION OF TEETH; UNERUPTED SECOND PRIMARY MOLAR; POSTERIOR OPENBITE MALOCCLUSION, FAMILIAL. Identifiers: Orphanet 412206, MedGen C1852222, MONDO:0007434, OMIM 125350.
Eiken syndrome (EKNS). Also called: BONE MODELING DEFECT OF HANDS AND FEET. Identifiers: Orphanet 79106, MedGen C1838779, MONDO:0010803, OMIM 600002.

Allele frequency attached by ClinVar (database versions not stated): ExAC 0.00001; gnomAD exomes 0.00001 and 0.00002; gnomAD 0.00004 and 0.00005; TOPMed 0.00004.
gnomAD v4.1: 38 of 1,612,380 alleles (0.0024%); highest among the groups gnomAD compares: Admixed American, 0.0033%; no homozygotes.

Submissions (5):

Labcorp Genetics (formerly Invitae), Labcorp
Classification: Uncertain significance. Last evaluated: 2025-12-01. Review status: criteria provided, single submitter. Criteria: Invitae Variant Classification Sherloc (09022015). Collection method: clinical testing. Allele origin: germline.
Comment: This sequence change replaces tyrosine, which is neutral and polar, with cysteine, which is neutral and slightly polar, at codon 221 of the PTH1R protein (p.Tyr221Cys). This variant is present in population databases (rs200817639, gnomAD 0.002%). This variant has not been reported in the literature in individuals affected with PTH1R-related conditions. ClinVar contains an entry for this variant (Variation ID: 900572). Invitae Evidence Modeling of protein sequence and biophysical properties (such as structural, functional, and spatial information, amino acid conservation, physicochemical variation, residue mobility, and thermodynamic stability) indicates that this missense variant is not expected to disrupt PTH1R protein function with a negative predictive value of 80%. In summary, the available evidence is currently insufficient to determine the role of this variant in disease. Therefore, it has been classified as a Variant of Uncertain Significance.

Fulgent Genetics
Classification: Uncertain significance for Primary failure of tooth eruption; Metaphyseal chondrodysplasia, Jansen type; Chondrodysplasia Blomstrand type; Eiken syndrome. Last evaluated: 2024-02-12. Review status: criteria provided, single submitter. Criteria: ACMG Guidelines, 2015. Collection method: clinical testing. Allele origin: germline.

Institute of Human Genetics, University of Leipzig Medical Center
Classification: Uncertain significance for Chondrodysplasia Blomstrand type. Last evaluated: 2019-01-01. Review status: criteria provided, single submitter. Criteria: ACMG Guidelines, 2015. Collection method: clinical testing. Allele origin: unknown. Affected: yes.

Illumina Laboratory Services, Illumina
Classification: Uncertain significance for Chondrodysplasia Blomstrand type. Last evaluated: 2018-03-16. Review status: criteria provided, single submitter. Criteria: ICSL Variant Classification Criteria 13 December 2019. Collection method: clinical testing. Allele origin: germline.

Illumina Laboratory Services, Illumina
Classification: Uncertain significance for Metaphyseal chondrodysplasia, Jansen type. Last evaluated: 2018-03-16. Review status: criteria provided, single submitter. Criteria: ICSL Variant Classification Criteria 13 December 2019. Collection method: clinical testing. Allele origin: germline.